The following is an entry in ClinVar:

NM_152594.3(SPRED1):c.88G>A (p.Gly30Arg)

Gene: SPRED1 (sprouty related EVH1 domain containing 1; plus strand). Cytogenetic location: 15q14.
Variant type: single nucleotide variant.
Coding change: c.88G>A on transcript NM_152594.3 (MANE Select); coding-DNA position 88, G replaced by A.
Protein change: p.Gly30Arg; replaces glycine 30 with arginine.
Molecular consequence: missense variant.
Genome position (GRCh38, 1-based): chr15:38,299,428, G>A. VCF-style: chr15-38299428-G-A. GRCh37 (hg19) VCF-style: chr15-38591629-G-A.
Other names: short protein forms G30R.
Identifiers: ClinVar variation 2891899 (VCV002891899.3), dbSNP rs2542660889, ClinGen allele CA391933993.

ClinVar aggregate classification (germline): Uncertain significance (1 of 4 stars; one submission).

Conditions:
Legius syndrome. Identifiers: Orphanet 137605, MedGen C1969623, MONDO:0012669, OMIM 611431. Disease mechanism: loss of function.

Submission:

Labcorp Genetics (formerly Invitae), Labcorp
Classification: Uncertain significance for Legius syndrome. Last evaluated: 2022-11-15. Review status: criteria provided, single submitter. Criteria: Invitae Variant Classification Sherloc (09022015). Collection method: clinical testing. Allele origin: germline.
Comment: In summary, the available evidence is currently insufficient to determine the role of this variant in disease. Therefore, it has been classified as a Variant of Uncertain Significance. Experimental studies have shown that this missense change affects SPRED1 function (PMID: 26635368). Advanced modeling of protein sequence and biophysical properties (such as structural, functional, and spatial information, amino acid conservation, physicochemical variation, residue mobility, and thermodynamic stability) performed at Invitae indicates that this missense variant is expected to disrupt SPRED1 protein function. This missense change has been observed in individual(s) with clinical features of SPRED1-related conditions (PMID: 21548021, 31573083). This variant is not present in population databases (gnomAD no frequency). This sequence change replaces glycine, which is neutral and non-polar, with arginine, which is basic and polar, at codon 30 of the SPRED1 protein (p.Gly30Arg).

Literature cited by the submitters: PubMed 26635368; PubMed 21548021; PubMed 31573083.